The following is an entry in ClinVar:

ClinVar aggregate classification (germline): Pathogenic (1 of 4 stars; one submission).

Submission:

Labcorp Genetics (formerly Invitae), Labcorp
Classification: Pathogenic. Last evaluated: 2024-04-08. Review status: criteria provided, single submitter. Criteria: Invitae Variant Classification Sherloc (09022015). Collection method: clinical testing. Allele origin: germline.
Comment: This sequence change creates a premature translational stop signal (p.His681Glnfs*12) in the LZTR1 gene. It is expected to result in an absent or disrupted protein product. Loss-of-function variants in LZTR1 are known to be pathogenic (PMID: 24362817, 25335493, 25480913, 25795793, 29469822, 30368668, 30442762, 30442766, 30481304, 30859559). This variant is not present in population databases (gnomAD no frequency). This variant has not been reported in the literature in individuals affected with LZTR1-related conditions. For these reasons, this variant has been classified as Pathogenic.

Literature cited by the submitters: PubMed 24362817; PubMed 25335493; PubMed 25480913; PubMed 25795793; PubMed 29469822; PubMed 30368668; PubMed 30442762; PubMed 30442766; PubMed 30481304; PubMed 30859559.

NM_006767.4(LZTR1):c.2043_2044del (p.His681fs)

Gene: LZTR1 (leucine zipper like post translational regulator 1; plus strand). Cytogenetic location: 22q11.21.
Variant type: Microsatellite.
Coding change: c.2043_2044del on transcript NM_006767.4 (MANE Select); coding-DNA positions 2043 to 2044, 2 bases deleted (CA; older notation c.2043_2044delCA).
Protein change: p.His681fs; shifts the reading frame from histidine 681.
Molecular consequence: frameshift variant.
Genome position (GRCh38, 1-based): chr22:20,995,846-20,995,847, CA deleted; deleting any 2 consecutive bases within chr22:20,995,844-20,995,847 gives the same sequence; the c. name uses the placement nearest the transcript's 3' end. VCF-style (leftmost placement, unchanged base first): chr22-20995843-CCA-C. GRCh37 (hg19) VCF-style: chr22-21350132-CCA-C.
Other names: short protein forms H681fs.
Identifiers: ClinVar variation 3649125 (VCV003649125.2).